The following is an entry in ClinVar:

NM_172351.3(CD46):c.595C>G (p.Pro199Ala)

Gene: CD46 (CD46 molecule; plus strand). Cytogenetic location: 1q32.2.
Variant type: single nucleotide variant.
Coding change: c.595C>G on transcript NM_172351.3 (MANE Select); coding-DNA position 595, C replaced by G.
Protein change: p.Pro199Ala; replaces proline 199 with alanine.
Molecular consequence: missense variant.
Genome position (GRCh38, 1-based): chr1:207,761,368, C>G. VCF-style: chr1-207761368-C-G. GRCh37 (hg19) VCF-style: chr1-207934713-C-G.
Other names: c.595C>G, p.Pro199Ala (NM_002389.4, NM_153826.4, NM_172350.3 and 8 more transcripts); short protein forms P199A.
Identifiers: ClinVar variation 4291162 (VCV004291162.1).

ClinVar aggregate classification (germline): Uncertain significance (1 of 4 stars; one submission).

Conditions:
Atypical hemolytic-uremic syndrome. Identifiers: Orphanet 2134, MedGen C2931788, MONDO:0016244.

Submission:

Genomenon, Inc
Classification: Uncertain significance for Atypical hemolytic-uremic syndrome. Last evaluated: 2025-10-02. Review status: criteria provided, single submitter. Criteria: Genomenon Sequence Variant Interpretation Standards. Collection method: curation. Allele origin: germline. Affected: no.
Comment: CD46 p.Pro199Ala (c.595C>G) is a missense variant that changes the amino acid at residue 199 from Proline to Alanine. This variant has been reported in the published literature (PMID:10960475). It is absent or not present at a significant frequency in gnomAD. In silico models agree that this variant is not damaging. In conclusion, we classify CD46 p.Pro199Ala (c.595C>G) as a variant of uncertain significance.

Literature cited by the submitters: PubMed 10960475.